The following is an entry in ClinVar:

NM_001379291.1(BRD4):c.182A>G (p.Asn61Ser)

Gene: BRD4 (bromodomain containing 4; minus strand). Cytogenetic location: 19p13.12.
Variant type: single nucleotide variant.
Coding change: c.182A>G on transcript NM_001379291.1 (MANE Select); coding-DNA position 182, A replaced by G.
Protein change: p.Asn61Ser; replaces asparagine 61 with serine.
Molecular consequence: missense variant.
Genome position (GRCh38, 1-based): chr19:15,272,918, T>C on the plus strand (A>G on the coding strand, the complement: BRD4 is on the minus strand). VCF-style: chr19-15272918-T-C. GRCh37 (hg19) VCF-style: chr19-15383729-T-C.
Other names: c.182A>G, p.Asn61Ser (NM_001330384.2, NM_001379292.1, NM_014299.3 and 1 more transcripts); short protein forms N61S.
Identifiers: ClinVar variation 3899485 (VCV003899485.2).
Genomic context (GRCh38, chr19:15,272,918, plus strand): 5'-CATGCAAACTGGTGTTTCCATAGTGTCTTGAGCACCACTCTGAGCAGGTATTGCAGTTGG[T>C]TGGTCTGCCTCTTGGGCTTGTTAGGGTTGGAGGTCTCTGGGGGCGGGGGGTTGGTGCTGG-3'
Protein context (NP_001366220.1, residues 51-71): SNPNKPKRQT[Asn61Ser]QLQYLLRVVL

ClinVar aggregate classification (germline): Uncertain significance (1 of 4 stars; one submission).

gnomAD v4.1: 2 of 1,614,132 alleles (0.00012%); highest among the groups gnomAD compares: Non-Finnish European, 0.00017%; no homozygotes.

Submission:

GeneDx
Classification: Uncertain significance. Last evaluated: 2025-05-15. Review status: criteria provided, single submitter. Criteria: GeneDx Variant Classification Process June 2021. Collection method: clinical testing. Allele origin: germline.
Comment: Not observed at significant frequency in large population cohorts (gnomAD); In silico analysis supports that this missense variant has a deleterious effect on protein structure/function; Has not been previously published as pathogenic or benign to our knowledge